The following is an entry in ClinVar:

NM_032242.4(PLXNA1):c.3540A>G (p.Ala1180=)

Gene: PLXNA1 (plexin A1; plus strand). Cytogenetic location: 3q21.3.
Variant type: single nucleotide variant.
Coding change: c.3540A>G on transcript NM_032242.4 (MANE Select); coding-DNA position 3540, A replaced by G.
Protein change: p.Ala1180=; no amino-acid change (alanine 1180 retained).
Molecular consequence: synonymous variant.
Genome position (GRCh38, 1-based): chr3:127,017,772, A>G. VCF-style: chr3-127017772-A-G. GRCh37 (hg19) VCF-style: chr3-126736615-A-G.
Identifiers: ClinVar variation 3045213 (VCV003045213.2), dbSNP rs762951496, ClinGen allele CA2594064.

ClinVar aggregate classification (germline): Likely benign (0 of 4 stars; one submission).

Conditions:
PLXNA1-related disorder. Also called: PLXNA1-related condition.

Allele frequency attached by ClinVar (database versions not stated): TOPMed 0.00001.
gnomAD v4.1: 7 of 1,612,898 alleles (0.00043%); highest among the groups gnomAD compares: East Asian, 0.0089%; no homozygotes.

Submission:

PreventionGenetics, part of Exact Sciences
Classification: Likely benign for PLXNA1-related condition. Last evaluated: 2023-03-28. Review status: no assertion criteria provided. Collection method: clinical testing. Allele origin: germline.
Comment: This variant is classified as likely benign based on ACMG/AMP sequence variant interpretation guidelines (Richards et al. 2015 PMID: 25741868, with internal and published modifications).